The following is an entry in ClinVar:

NM_021098.3(CACNA1H):c.6274G>A (p.Glu2092Lys)

Gene: CACNA1H (calcium voltage-gated channel subunit alpha1 H; plus strand). Cytogenetic location: 16p13.3.
Variant type: single nucleotide variant.
Coding change: c.6274G>A on transcript NM_021098.3 (MANE Select); coding-DNA position 6274, G replaced by A.
Protein change: p.Glu2092Lys; replaces glutamic acid 2092 with lysine.
Molecular consequence: missense variant.
Genome position (GRCh38, 1-based): chr16:1,220,206, G>A. VCF-style: chr16-1220206-G-A. GRCh37 (hg19) VCF-style: chr16-1270206-G-A.
Other names: c.6256G>A, p.Glu2086Lys (NM_001005407.2); short protein forms E2086K, E2092K.
Identifiers: ClinVar variation 1397152 (VCV001397152.7), dbSNP rs778743259, ClinGen allele CA7802293.

ClinVar aggregate classification (germline): Uncertain significance. Review status: criteria provided, multiple submitters, no conflicts (2 of 4 stars). 2 submissions from 2 submitters: Uncertain significance (2). Last evaluated 2025-01-17.

Conditions:
Hyperaldosteronism, familial, type IV (HALD4). Also called: FH IV; ALDOSTERONISM, PRIMARY, AND HYPERTENSION. Identifiers: Orphanet 642671, MedGen C4310756, MONDO:0014875, OMIM 617027.
Idiopathic generalized epilepsy. Also called: Generalised epilepsy; EIG. Identifiers: MedGen C0270850, MONDO:0005579, OMIM 600669.
Epilepsy, childhood absence, susceptibility to, 6. Identifiers: Orphanet 64280, MedGen C2749872, MONDO:0012763, OMIM 611942.

Allele frequency attached by ClinVar (database versions not stated): gnomAD 0.00001; ExAC 0.00002; gnomAD exomes 0.00002; TOPMed 0.00002.
gnomAD v4.1: 24 of 1,557,638 alleles (0.0015%); highest among the groups gnomAD compares: Middle Eastern, 0.017%; no homozygotes.

Submissions (2):

Labcorp Genetics (formerly Invitae), Labcorp
Classification: Uncertain significance for Idiopathic generalized epilepsy; Hyperaldosteronism, familial, type IV. Last evaluated: 2025-01-17. Review status: criteria provided, single submitter. Criteria: Invitae Variant Classification Sherloc (09022015). Collection method: clinical testing. Allele origin: germline.
Comment: This sequence change replaces glutamic acid, which is acidic and polar, with lysine, which is basic and polar, at codon 2092 of the CACNA1H protein (p.Glu2092Lys). The frequency data for this variant in the population databases is considered unreliable, as metrics indicate poor data quality at this position in the gnomAD database. This variant has not been reported in the literature in individuals affected with CACNA1H-related conditions. ClinVar contains an entry for this variant (Variation ID: 1397152). Invitae Evidence Modeling of protein sequence and biophysical properties (such as structural, functional, and spatial information, amino acid conservation, physicochemical variation, residue mobility, and thermodynamic stability) indicates that this missense variant is not expected to disrupt CACNA1H protein function with a negative predictive value of 80%. In summary, the available evidence is currently insufficient to determine the role of this variant in disease. Therefore, it has been classified as a Variant of Uncertain Significance.

Fulgent Genetics
Classification: Uncertain significance for Epilepsy, childhood absence, susceptibility to, 6; Hyperaldosteronism, familial, type IV. Last evaluated: 2024-06-17. Review status: criteria provided, single submitter. Criteria: ACMG Guidelines, 2015. Collection method: clinical testing. Allele origin: germline.